The following is an entry in ClinVar:

ClinVar aggregate classification (germline): Uncertain significance (1 of 4 stars; one submission).

Submission:

Labcorp Genetics (formerly Invitae), Labcorp
Classification: Uncertain significance. Last evaluated: 2025-10-18. Review status: criteria provided, single submitter. Criteria: Invitae Variant Classification Sherloc (09022015). Collection method: clinical testing. Allele origin: germline.
Comment: This sequence change replaces leucine, which is neutral and non-polar, with proline, which is neutral and non-polar, at codon 1265 of the COL4A5 protein (p.Leu1265Pro). This variant is not present in population databases (gnomAD no frequency). This variant has not been reported in the literature in individuals affected with COL4A5-related conditions. Invitae Evidence Modeling of protein sequence and biophysical properties (such as structural, functional, and spatial information, amino acid conservation, physicochemical variation, residue mobility, and thermodynamic stability) indicates that this missense variant is not expected to disrupt COL4A5 protein function with a negative predictive value of 95%. In summary, the available evidence is currently insufficient to determine the role of this variant in disease. Therefore, it has been classified as a Variant of Uncertain Significance.

NM_033380.3(COL4A5):c.3812T>C (p.Leu1271Pro)

Gene: COL4A5 (collagen type IV alpha 5 chain; plus strand). Cytogenetic location: Xq22.3.
Variant type: single nucleotide variant.
Coding change: c.3812T>C on transcript NM_033380.3 (MANE Select); coding-DNA position 3812, T replaced by C.
Protein change: p.Leu1271Pro; replaces leucine 1271 with proline.
Molecular consequence: missense variant.
Genome position (GRCh38, 1-based): chrX:108,677,503, T>C. VCF-style: chrX-108677503-T-C. GRCh37 (hg19) VCF-style: chrX-107920733-T-C.
Other names: c.3794T>C, p.Leu1265Pro (NM_000495.5); short protein forms L1271P, L1265P.
Identifiers: ClinVar variation 4697257 (VCV004697257.1).